The following is an entry in ClinVar:

ClinVar aggregate classification (germline): Uncertain significance (1 of 4 stars; one submission).

Submission:

GeneDx
Classification: Uncertain significance. Last evaluated: 2024-12-20. Review status: criteria provided, single submitter. Criteria: GeneDx Variant Classification Process June 2021. Collection method: clinical testing. Allele origin: germline. Affected: yes.
Comment: Not observed at significant frequency in large population cohorts (gnomAD); In silico analysis indicates that this missense variant does not alter protein structure/function; Has not been previously published as pathogenic or benign to our knowledge

NM_004519.4(KCNQ3):c.2232G>T (p.Arg744Ser)

Gene: KCNQ3 (potassium voltage-gated channel subfamily Q member 3; minus strand). Cytogenetic location: 8q24.22.
Variant type: single nucleotide variant.
Coding change: c.2232G>T on transcript NM_004519.4 (MANE Select); coding-DNA position 2232, G replaced by T.
Protein change: p.Arg744Ser; replaces arginine 744 with serine.
Molecular consequence: missense variant.
Genome position (GRCh38, 1-based): chr8:132,129,649, C>A on the plus strand (G>T on the coding strand, the complement: KCNQ3 is on the minus strand). VCF-style: chr8-132129649-C-A. GRCh37 (hg19) VCF-style: chr8-133141896-C-A.
Other names: c.1872G>T, p.Arg624Ser (NM_001204824.2); short protein forms R624S, R744S.
Identifiers: ClinVar variation 3906461 (VCV003906461.1).
Genomic context (GRCh38, chr8:132,129,649, plus strand): 5'-AGCCTGGGAGTGGCAGCTCACTCGGGAGTCGAGAAGAGTCAAGATAGGCAGGACCGTGGG[C>A]CTCTCCACATACGTTGTTGCTGAGGAAGGAGGAGTTGCCTGAACCTTTCCAGAACTGGGT-3'
Protein context (NP_004510.1, residues 734-754): PPSSATTYVE[Arg744Ser]PTVLPILTLL